The following is an entry in ClinVar:

ClinVar aggregate classification (germline): Uncertain significance (1 of 4 stars; one submission).

Submission:

Labcorp Genetics (formerly Invitae), Labcorp
Classification: Uncertain significance. Last evaluated: 2024-05-29. Review status: criteria provided, single submitter. Criteria: Invitae Variant Classification Sherloc (09022015). Collection method: clinical testing. Allele origin: germline.
Comment: This sequence change replaces valine, which is neutral and non-polar, with leucine, which is neutral and non-polar, at codon 802 of the ITGAM protein (p.Val802Leu). This variant is not present in population databases (gnomAD no frequency). This variant has not been reported in the literature in individuals affected with ITGAM-related conditions. An algorithm developed to predict the effect of missense changes on protein structure and function (PolyPhen-2) suggests that this variant is likely to be tolerated. In summary, the available evidence is currently insufficient to determine the role of this variant in disease. Therefore, it has been classified as a Variant of Uncertain Significance.

NM_000632.4(ITGAM):c.2404G>T (p.Val802Leu)

Gene: ITGAM (integrin subunit alpha M; plus strand). Cytogenetic location: 16p11.2.
Variant type: single nucleotide variant.
Coding change: c.2404G>T on transcript NM_000632.4 (MANE Select); coding-DNA position 2404, G replaced by T.
Protein change: p.Val802Leu; replaces valine 802 with leucine.
Molecular consequence: missense variant.
Genome position (GRCh38, 1-based): chr16:31,325,303, G>T. VCF-style: chr16-31325303-G-T. GRCh37 (hg19) VCF-style: chr16-31336624-G-T.
Other names: c.2407G>T, p.Val803Leu (NM_001145808.2); short protein forms V802L, V803L.
Identifiers: ClinVar variation 3654977 (VCV003654977.2).
Genomic context (GRCh38, chr16:31,325,303, plus strand): 5'-CTGTCTTCTTCTTCCCACAGCCTGGACTGCCTCGTGGTGGGTGGGCCCCGGGAGTTCAAC[G>T]TGACAGTGACTGTGAGAAATGATGGTGAGGACTCCTACAGGACACAGGTCACCTTCTTCT-3'
Protein context (NP_000623.2, residues 792-812): LVVGGPREFN[Val802Leu]TVTVRNDGED